The following is an entry in ClinVar:

ClinVar aggregate classification (germline): Conflicting classifications of pathogenicity. Review status: criteria provided, conflicting classifications (1 of 4 stars). 4 submissions from 4 submitters: Uncertain significance (1); Benign (1); Likely benign (2). Last evaluated 2025-02-16.

Conditions:
Inborn genetic diseases. Identifiers: MedGen C0950123, MeSH D030342.

Allele frequency attached by ClinVar (database versions not stated): ExAC 0.00005; TOPMed 0.00005 and 0.00006; gnomAD exomes 0.00006 and 0.00012; gnomAD 0.00008 and 0.00035; ESP Exome Variant Server 0.00015.
gnomAD v4.1: 182 of 1,614,142 alleles (0.011%); highest among the groups gnomAD compares: Middle Eastern, 0.05%; no homozygotes.

Submissions (4):

Laboratory of Genetics, Children's Clinical University Hospital Latvia
Classification: Benign. Last evaluated: 2025-02-16. Review status: criteria provided, single submitter. Criteria: ACMG Guidelines, 2015. Collection method: clinical testing. Allele origin: germline. Affected: yes.

Blueprint Genetics
Classification: Likely benign. Last evaluated: 2024-10-21. Review status: criteria provided, single submitter. Criteria: ACMG Guidelines, 2015. Collection method: clinical testing. Allele origin: germline.

Labcorp Genetics (formerly Invitae), Labcorp
Classification: Uncertain significance. Last evaluated: 2024-10-17. Review status: criteria provided, single submitter. Criteria: Invitae Variant Classification Sherloc (09022015). Collection method: clinical testing. Allele origin: germline.
Comment: This sequence change replaces arginine, which is basic and polar, with cysteine, which is neutral and slightly polar, at codon 858 of the SRCAP protein (p.Arg858Cys). This variant is present in population databases (rs200723469, gnomAD 0.01%). This missense change has been observed in individual(s) with juvenile idiopathic arthritis (PMID: 33408077). ClinVar contains an entry for this variant (Variation ID: 2177003). Invitae Evidence Modeling of protein sequence and biophysical properties (such as structural, functional, and spatial information, amino acid conservation, physicochemical variation, residue mobility, and thermodynamic stability) indicates that this missense variant is not expected to disrupt SRCAP protein function with a negative predictive value of 80%. In summary, the available evidence is currently insufficient to determine the role of this variant in disease. Therefore, it has been classified as a Variant of Uncertain Significance.

Ambry Genetics
Classification: Likely benign for Inborn genetic diseases. Last evaluated: 2021-09-22. Review status: criteria provided, single submitter. Criteria: Ambry Variant Classification Scheme 2023. Collection method: clinical testing. Allele origin: germline.

Literature cited by the submitters: PubMed 33408077 (cited by Labcorp Genetics (formerly Invitae), Labcorp).

NM_006662.3(SRCAP):c.2572C>T (p.Arg858Cys)

Gene: SRCAP (Snf2 related CREBBP activator protein; plus strand). Cytogenetic location: 16p11.2.
Variant type: single nucleotide variant.
Coding change: c.2572C>T on transcript NM_006662.3 (MANE Select); coding-DNA position 2572, C replaced by T.
Protein change: p.Arg858Cys; replaces arginine 858 with cysteine.
Molecular consequence: missense variant.
Genome position (GRCh38, 1-based): chr16:30,716,144, C>T. VCF-style: chr16-30716144-C-T. GRCh37 (hg19) VCF-style: chr16-30727465-C-T.
Other names: short protein forms R858C.
Identifiers: ClinVar variation 2177003 (VCV002177003.7), dbSNP rs200723469, ClinGen allele CA8011242.
Genomic context (GRCh38, chr16:30,716,144, plus strand): 5'-CTGCGCCGAGTTAAGGTGGATGTTGAGAAGCAGATGCCCAAAAAGTACGAGCATGTTATC[C>T]GCTGCAGGCTCTCCAAGCGTCAACGCTGTCTCTATGATGACTTCATGGCACAGACCACGT-3'
Protein context (NP_006653.2, residues 848-868): QMPKKYEHVI[Arg858Cys]CRLSKRQRCL